The following is an entry in ClinVar:

NM_001080517.3(SETD5):c.3643G>A (p.Gly1215Arg)

Gene: SETD5 (SET domain containing 5; plus strand). Cytogenetic location: 3p25.3.
Variant type: single nucleotide variant.
Coding change: c.3643G>A on transcript NM_001080517.3 (MANE Select); coding-DNA position 3643, G replaced by A.
Protein change: p.Gly1215Arg; replaces glycine 1215 with arginine.
Molecular consequence: missense variant.
Genome position (GRCh38, 1-based): chr3:9,475,079, G>A. VCF-style: chr3-9475079-G-A. GRCh37 (hg19) VCF-style: chr3-9516763-G-A.
Other names: c.3349G>A, p.Gly1117Arg (NM_001292043.2, NM_001349451.2); c.3739G>A, p.Gly1247Arg (NM_001437633.1); c.3757G>A, p.Gly1253Arg (NM_001437635.1); c.3700G>A, p.Gly1234Arg (NM_001437643.1); c.3682G>A, p.Gly1228Arg (NM_001437701.1); short protein forms G1117R, G1215R, G1228R, G1234R, G1247R, G1253R.
Identifiers: ClinVar variation 5020756 (VCV005020756.1).

ClinVar aggregate classification (germline): Uncertain significance (1 of 4 stars; one submission).

Submission:

Dasa
Classification: Uncertain significance. Last evaluated: 2025-12-24. Review status: criteria provided, single submitter. Criteria: DASA Assertion Criteria. Collection method: clinical testing. Allele origin: germline.
Comment: NM_001080517.3(SETD5):c.3643G>A (p.Gly1215Arg) is a missense variant that results in the substitution of glycine with arginine. This variant is rare in population databases. The currently available literature and clinical evidence are not sufficient to establish a definitive association between this variant and the reported condition. Therefore, this variant is classified as a variant of uncertain significance.